The following is an entry in ClinVar:

NM_172364.5(CACNA2D4):c.1216G>A (p.Gly406Ser)

Gene: CACNA2D4 (calcium voltage-gated channel auxiliary subunit alpha2delta 4; minus strand). Cytogenetic location: 12p13.33.
Variant type: single nucleotide variant.
Coding change: c.1216G>A on transcript NM_172364.5 (MANE Select); coding-DNA position 1216, G replaced by A.
Protein change: p.Gly406Ser; replaces glycine 406 with serine.
Molecular consequence: missense variant.
Genome position (GRCh38, 1-based): chr12:1,884,824, C>T on the plus strand (G>A on the coding strand, the complement: CACNA2D4 is on the minus strand). VCF-style: chr12-1884824-C-T. GRCh37 (hg19) VCF-style: chr12-1993990-C-T.
Other names: short protein forms G406S.
Identifiers: ClinVar variation 863322 (VCV000863322.15), dbSNP rs375148197, ClinGen allele CA6387225.

ClinVar aggregate classification (germline): Uncertain significance. Review status: criteria provided, multiple submitters, no conflicts (2 of 4 stars). 5 submissions from 5 submitters: Uncertain significance (4). 1 of the submissions does not count toward it. Last evaluated 2025-10-15.

Conditions:
Retinal cone dystrophy 4 (RCD4). Identifiers: Orphanet 1872, MedGen C1864849, MONDO:0012507, OMIM 610478.
Inborn genetic diseases. Identifiers: MedGen C0950123, MeSH D030342.
Retinal dystrophy. Also called: Inherited retinal dystrophy. Identifiers: Orphanet 71862, MedGen C0854723, MeSH D058499, MONDO:0019118, HP:0000556.

Allele frequency attached by ClinVar (database versions not stated): gnomAD exomes 0.00001 and 0.00004; ExAC 0.00004; ESP Exome Variant Server 0.00008; TOPMed 0.00014; gnomAD 0.00017 and 0.00020.
gnomAD v4.1: 48 of 1,613,692 alleles (0.003%); highest among the groups gnomAD compares: African/African-American, 0.051%; no homozygotes.

Submissions (5):

Labcorp Genetics (formerly Invitae), Labcorp
Classification: Uncertain significance. Last evaluated: 2025-10-15. Review status: criteria provided, single submitter. Criteria: Invitae Variant Classification Sherloc (09022015). Collection method: clinical testing. Allele origin: germline.
Comment: This sequence change replaces glycine, which is neutral and non-polar, with serine, which is neutral and polar, at codon 406 of the CACNA2D4 protein (p.Gly406Ser). This variant is present in population databases (rs375148197, gnomAD 0.03%). This variant has not been reported in the literature in individuals affected with CACNA2D4-related conditions. ClinVar contains an entry for this variant (Variation ID: 863322). An algorithm developed to predict the effect of missense changes on protein structure and function (PolyPhen-2) suggests that this variant is likely to be disruptive. In summary, the available evidence is currently insufficient to determine the role of this variant in disease. Therefore, it has been classified as a Variant of Uncertain Significance.

Ambry Genetics
Classification: Uncertain significance for Inborn genetic diseases. Last evaluated: 2025-05-13. Review status: criteria provided, single submitter. Criteria: Ambry Variant Classification Scheme 2023. Collection method: clinical testing. Allele origin: germline.

Blueprint Genetics
Classification: Uncertain significance. Last evaluated: 2024-11-01. Review status: criteria provided, single submitter. Criteria: ACMG Guidelines, 2015. Collection method: clinical testing. Allele origin: germline.

Centre for Mendelian Genomics, University Medical Centre Ljubljana
Classification: Uncertain significance for Retinal cone dystrophy 4. Last evaluated: 2020-03-30. Review status: criteria provided, single submitter. Criteria: ACMG Guidelines, 2015. Collection method: clinical testing. Allele origin: unknown. Affected: yes.
Comment: This variant was classified as: Uncertain significance. The available evidence on this variant's pathogenicity is insufficient or conflicting. The following ACMG criteria were applied in classifying this variant: PM2,PP3.

Institute of Human Genetics, Univ. Regensburg, Univ. Regensburg
Classification: Uncertain significance for Retinal dystrophy. Last evaluated: 2022-01-01. Review status: no assertion criteria provided. Criteria: ACMG Guidelines, 2015. Collection method: clinical testing. Allele origin: germline. Affected: yes. Not counted in ClinVar's aggregate classification.